The following is an entry in ClinVar:

NM_006245.4(PPP2R5D):c.625C>T (p.His209Tyr)

Gene: PPP2R5D (protein phosphatase 2 regulatory subunit B'delta; plus strand). Cytogenetic location: 6p21.1.
Variant type: single nucleotide variant.
Coding change: c.625C>T on transcript NM_006245.4 (MANE Select); coding-DNA position 625, C replaced by T.
Protein change: p.His209Tyr; replaces histidine 209 with tyrosine.
Molecular consequence: missense variant.
Genome position (GRCh38, 1-based): chr6:43,007,298, C>T. VCF-style: chr6-43007298-C-T. GRCh37 (hg19) VCF-style: chr6-42975036-C-T.
Other names: c.529C>T, p.His177Tyr (NM_180976.3); c.307C>T, p.His103Tyr (NM_180977.3); c.172C>T, p.His58Tyr (NM_001270476.2); short protein forms H103Y, H177Y, H209Y, H58Y.
Identifiers: ClinVar variation 2662981 (VCV002662981.4), dbSNP rs2532475494, ClinGen allele CA364185536.

ClinVar aggregate classification (germline): Pathogenic/Likely pathogenic. Review status: criteria provided, multiple submitters, no conflicts (2 of 4 stars). 4 submissions from 4 submitters: Pathogenic (1); Likely pathogenic (2). 1 of the submissions does not count toward it. Last evaluated 2025-10-14.

Conditions:
PPP2R5D-related disorder. Also called: PPP2R5D-related condition.
Houge-Janssens syndrome 1. Also called: Hogue-Janssens syndrome 1; Intellectual disability-macrocephaly-hypotonia-behavioral abnormalities syndrome; INTELLECTUAL DEVELOPMENTAL DISORDER, AUTOSOMAL DOMINANT 35; PPP2R5D-Related Neurodevelopmental Disorder. Identifiers: Orphanet 457279, MedGen C5779996, MONDO:0014602, OMIM 616355.

Submissions (4):

Victorian Clinical Genetics Services, Murdoch Childrens Research Institute
Classification: Pathogenic for Houge-Janssens syndrome 1. Last evaluated: 2025-10-14. Review status: criteria provided, single submitter. Criteria: ACMG Guidelines, 2015. Collection method: clinical testing. Allele origin: germline. Affected: yes.
Comment: This variant is classified as Pathogenic. Evidence in support of pathogenic classification: Variant is absent from gnomAD (v2, v3 and v4); This variant has moderate previous evidence of pathogenicity in unrelated individuals. This variant has been classified as likely pathogenic by a clinical laboratory in ClinVar. Additionally, this variant was reported as de novo in an individual with neurodevelopmental delay (PMID: 38764027); Variant is located in a hotspot region or cluster of PATHOGENIC variants (DECIPHER); Additional information: Variant is predicted to result in a missense amino acid change from His to Tyr; This variant is heterozygous; This gene is associated with autosomal dominant disease; No published evidence of segregation with disease has been identified for this variant; No published functional evidence has been identified for this variant; No comparable missense variants have previous evidence for pathogenicity; Missense variant with inconclusive in silico prediction and uninformative conservation; The mechanism of disease for this gene is not clearly established. While loss-of-function has been demonstrated, dominant-negative has been proposed as a disease mechanism (PMID: 32074998, 26168268).

PreventionGenetics, part of Exact Sciences
Classification: Likely pathogenic for PPP2R5D-related condition. Last evaluated: 2025-06-18. Review status: criteria provided, single submitter. Criteria: ACMG Guidelines, 2015. Collection method: clinical testing. Allele origin: germline.
Comment: The PPP2R5D c.625C>T variant is predicted to result in the amino acid substitution p.His209Tyr. This variant has been reported de novo in an individual with severe-profound intellectual disability/developmental delay, autism spectrum disorder, marcocephaly, patent foramen ovale, low-set ears, arched eyebrows, and almond-shaped eyes (Supplementary Files 3 and 4 in Wu et al. 2024. PubMed ID: 38764027). This variant has not been reported in a large population database (gnomAD), indicating this variant is rare. This variant is located in one of the hotspots in PPP2R5D associated with neurodevelopmental phenotypes and macrocephaly (Jiang et al. 2024. PubMed ID: 39201832). This variant is interpreted as likely pathogenic.

GeneDx
Classification: Likely pathogenic. Last evaluated: 2023-10-19. Review status: criteria provided, single submitter. Criteria: GeneDx Variant Classification Process June 2021. Collection method: clinical testing. Allele origin: germline. Affected: yes.
Comment: Not observed at significant frequency in large population cohorts (gnomAD); In silico analysis supports that this missense variant has a deleterious effect on protein structure/function; Has not been previously published as pathogenic or benign to our knowledge

Molecular Genetics Laboratory, BC Children's and BC Women's Hospitals
Classification: Likely pathogenic for Houge-Janssens syndrome 1. Last evaluated: 2025-10-09. Review status: no assertion criteria provided. Criteria: ACMG Guidelines, 2015. Collection method: clinical testing. Allele origin: de novo. Affected: yes. Not counted in ClinVar's aggregate classification.

Literature cited by the submitters: PubMed 26168268 (cited by Victorian Clinical Genetics Services, Murdoch Childrens Research Institute); PubMed 32074998 (cited by Victorian Clinical Genetics Services, Murdoch Childrens Research Institute); PubMed 38764027 (cited by Victorian Clinical Genetics Services, Murdoch Childrens Research Institute).